The following is an entry in ClinVar:

NM_000142.5(FGFR3):c.446-9G>A

Gene: FGFR3 (fibroblast growth factor receptor 3; plus strand). Cytogenetic location: 4p16.3.
Variant type: single nucleotide variant.
Coding change: c.446-9G>A on transcript NM_000142.5 (MANE Select); 9 bases into the intron before coding-DNA position 446, G replaced by A.
Molecular consequence: intron variant.
Genome position (GRCh38, 1-based): chr4:1,801,358, G>A. VCF-style: chr4-1801358-G-A. GRCh37 (hg19) VCF-style: chr4-1803085-G-A.
Other names: c.446-9G>A (NM_001163213.2, NM_001354809.2, NM_001354810.2 and 1 more transcripts).
Identifiers: ClinVar variation 3364068 (VCV003364068.1).
Genomic context (GRCh38, chr4:1,801,358, plus strand): 5'-AAGGGGGTTGTTCAGAGGGGCCTCTGCTCCCACTCGGGTCATGGCCTTCACACGCACCTC[G>A]GCCCGCAGGGGCCCCTTACTGGACACGGCCCGAGCGGATGGACAAGAAGCTGCTGGCCGT-3'

ClinVar aggregate classification (germline): Uncertain significance (1 of 4 stars; one submission).

gnomAD v4.1: 16 of 1,550,742 alleles (0.001%); highest among the groups gnomAD compares: Non-Finnish European, 0.0014%; no homozygotes.

Submission:

GeneDx
Classification: Uncertain significance. Last evaluated: 2023-11-06. Review status: criteria provided, single submitter. Criteria: GeneDx Variant Classification Process June 2021. Collection method: clinical testing. Allele origin: germline. Affected: yes.
Comment: Not observed at significant frequency in large population cohorts (gnomAD); In silico analysis supports a deleterious effect on splicing; Has not been previously published as pathogenic or benign to our knowledge